The following is an entry in ClinVar:

ClinVar aggregate classification (germline): Uncertain significance. Review status: criteria provided, multiple submitters, no conflicts (2 of 4 stars). 3 submissions from 3 submitters: Uncertain significance (3). Last evaluated 2025-07-23.

Conditions:
DICER1-related tumor predisposition. Also called: DICER1 syndrome; DICER1-related pleuropulmonary blastoma cancer predisposition syndrome. Identifiers: Orphanet 284343, MedGen C3839822, MONDO:0100216.
Hereditary cancer-predisposing syndrome. Also called: Neoplastic Syndromes, Hereditary; Hereditary Cancer Syndrome; Tumor predisposition; Hereditary neoplastic syndrome. Identifiers: Orphanet 140162, MedGen C0027672, MeSH D009386, MONDO:0015356.

Allele frequency attached by ClinVar (database versions not stated): gnomAD exomes below 0.00001; TOPMed below 0.00001; gnomAD 0.00001.
gnomAD v4.1: 6 of 1,613,714 alleles (0.00037%); highest among the groups gnomAD compares: South Asian, 0.0011%; no homozygotes.

Submissions (3):

Labcorp Genetics (formerly Invitae), Labcorp
Classification: Uncertain significance for DICER1-related tumor predisposition. Last evaluated: 2025-07-23. Review status: criteria provided, single submitter. Criteria: Invitae Variant Classification Sherloc (09022015). Collection method: clinical testing. Allele origin: germline.
Comment: This sequence change replaces arginine, which is basic and polar, with histidine, which is basic and polar, at codon 536 of the DICER1 protein (p.Arg536His). This variant is not present in population databases (gnomAD no frequency). This variant has not been reported in the literature in individuals affected with DICER1-related conditions. ClinVar contains an entry for this variant (Variation ID: 1037650). Invitae Evidence Modeling of protein sequence and biophysical properties (such as structural, functional, and spatial information, amino acid conservation, physicochemical variation, residue mobility, and thermodynamic stability) indicates that this missense variant is expected to disrupt DICER1 protein function with a positive predictive value of 95%. In summary, the available evidence is currently insufficient to determine the role of this variant in disease. Therefore, it has been classified as a Variant of Uncertain Significance.

Center for Genomic Medicine, Rigshospitalet, Copenhagen University Hospital
Classification: Uncertain significance. Last evaluated: 2025-03-04. Review status: criteria provided, single submitter. Criteria: ACMG Guidelines, 2015. Collection method: clinical testing. Allele origin: germline.

Ambry Genetics
Classification: Uncertain significance for Hereditary cancer-predisposing syndrome. Last evaluated: 2025-02-21. Review status: criteria provided, single submitter. Criteria: Ambry Variant Classification Scheme 2023. Collection method: clinical testing. Allele origin: germline.
Comment: The p.R536H variant (also known as c.1607G>A), located in coding exon 9 of the DICER1 gene, results from a G to A substitution at nucleotide position 1607. The arginine at codon 536 is replaced by histidine, an amino acid with highly similar properties. This amino acid position is highly conserved in available vertebrate species. In addition, this alteration is predicted to be deleterious by in silico analysis. Since supporting evidence is limited at this time, the clinical significance of this alteration remains unclear.

NM_177438.3(DICER1):c.1607G>A (p.Arg536His)

Gene: DICER1 (dicer 1, ribonuclease III; minus strand). Cytogenetic location: 14q32.13.
Variant type: single nucleotide variant.
Coding change: c.1607G>A on transcript NM_177438.3 (MANE Select); coding-DNA position 1607, G replaced by A.
Protein change: p.Arg536His; replaces arginine 536 with histidine.
Molecular consequence: missense variant.
Genome position (GRCh38, 1-based): chr14:95,116,598, C>T on the plus strand (G>A on the coding strand, the complement: DICER1 is on the minus strand). VCF-style: chr14-95116598-C-T. GRCh37 (hg19) VCF-style: chr14-95582935-C-T.
Other names: c.1607G>A, p.Arg536His (NM_001195573.1, NM_001271282.3, NM_001291628.2 and 1 more transcripts); short protein forms R536H.
Identifiers: ClinVar variation 1037650 (VCV001037650.13), dbSNP rs965350808, ClinGen allele CA265916536.